The following is an entry in ClinVar:

NM_001002862.3(DERL3):c.*1955G>A

Genes: DERL3 (derlin 3; minus strand), SMARCB1 (SWI/SNF related BAF chromatin remodeling complex subunit B1; plus strand). Cytogenetic location: 22q11.23.
Variant type: single nucleotide variant.
Coding change: c.*1955G>A on transcript NM_001002862.3 (MANE Select); 1955 bases downstream of the stop codon, G replaced by A.
Molecular consequence: 3 prime UTR variant. On other transcripts: synonymous variant (1), missense variant (1).
Genome position (GRCh38, 1-based): chr22:23,834,914, C>T on the plus strand (G>A on the coding strand, the complement: DERL3 is on the minus strand). VCF-style: chr22-23834914-C-T. GRCh37 (hg19) VCF-style: chr22-24177101-C-T.
Other names: c.*734C>T (NM_001007468.3, NM_001317946.2, NM_001362877.2 and 1 more transcripts); c.633G>A, p.Lys211= (NM_001135751.2); c.680G>A, p.Arg227Lys (NM_001363072.2); c.*2146G>A (NM_198440.4); short protein forms R227K.
Identifiers: ClinVar variation 3388102 (VCV003388102.14).
Genomic context (GRCh38, chr22:23,834,914, plus strand): 5'-CGTCCCTGGGCCGCCCTGGCTCTGCTGTGTCCAGATGGTCAGGCTACTGCCAGCTGGGGC[C>T]TTGCTGCTCTGAAGTCCCCTGCGGAGGGCCCAGTCCTGTGTGGGCACTGCTGGGCTGTCG-3'

ClinVar aggregate classification (germline): Likely benign (1 of 4 stars; one submission).

gnomAD v4.1: 936 of 1,610,812 alleles (0.058%); highest among the groups gnomAD compares: South Asian, 0.96%; 19 homozygotes.

Submission:

CeGaT Center for Human Genetics Tuebingen
Classification: Likely benign. Last evaluated: 2024-09-01. Review status: criteria provided, single submitter. Criteria: CeGaT Center For Human Genetics Tuebingen Variant Classification Criteria Version 2. Collection method: clinical testing. Allele origin: germline. Affected: yes. Observed: 1 variant allele.
Comment: DERL3: BP4, BP7, BS2